The following is an entry in ClinVar:

NM_017514.5(PLXNA3):c.2448G>A (p.Leu816=)

Gene: PLXNA3 (plexin A3; plus strand). Cytogenetic location: Xq28.
Variant type: single nucleotide variant.
Coding change: c.2448G>A on transcript NM_017514.5 (MANE Select); coding-DNA position 2448, G replaced by A.
Protein change: p.Leu816=; no amino-acid change (leucine 816 retained).
Molecular consequence: synonymous variant.
Genome position (GRCh38, 1-based): chrX:154,465,763, G>A. VCF-style: chrX-154465763-G-A. GRCh37 (hg19) VCF-style: chrX-153694106-G-A.
Identifiers: ClinVar variation 3054460 (VCV003054460.3), dbSNP rs181941264, ClinGen allele CA10564375.
Genomic context (GRCh38, chrX:154,465,763, plus strand): 5'-CCTCAAGGCTGATCCCCGCTTCAACTGTGGCTGGTGCATCTCAGAGCACAGGTGCCAGCT[G>A]CGGACCCACTGCCCGGCCCCGAAGACCAACTGGATGCACCTGAGCCAGAAGGGCACCCGG-3'
Protein context (NP_059984.3, residues 806-826): GWCISEHRCQ[Leu816=]RTHCPAPKTN

ClinVar aggregate classification (germline): Likely benign. Review status: criteria provided, single submitter (1 of 4 stars). 2 submissions from 2 submitters: Likely benign (1). 1 of the submissions does not count toward it. Last evaluated 2025-02-16.

Conditions:
PLXNA3-related disorder. Also called: PLXNA3-related condition.

Allele frequency attached by ClinVar (database versions not stated): ESP Exome Variant Server 0.00009; 1000 Genomes Project 30x 0.00021; 1000 Genomes Project 0.00026; gnomAD exomes 0.00032; gnomAD 0.00033; ExAC 0.00038; TOPMed 0.00044.

Submissions (2):

Laboratory of Genetics, Children's Clinical University Hospital Latvia
Classification: Likely benign. Last evaluated: 2025-02-16. Review status: criteria provided, single submitter. Criteria: ACMG Guidelines, 2015. Collection method: clinical testing. Allele origin: germline. Affected: yes.

PreventionGenetics, part of Exact Sciences
Classification: Likely benign for PLXNA3-related condition. Last evaluated: 2021-06-01. Review status: no assertion criteria provided. Collection method: clinical testing. Allele origin: germline. Not counted in ClinVar's aggregate classification.
Comment: This variant is classified as likely benign based on ACMG/AMP sequence variant interpretation guidelines (Richards et al. 2015 PMID: 25741868, with internal and published modifications).